The following is an entry in ClinVar:

NM_006922.4(SCN3A):c.1592G>C (p.Ser531Thr)

Gene: SCN3A (sodium voltage-gated channel alpha subunit 3; minus strand). Cytogenetic location: 2q24.3.
Variant type: single nucleotide variant.
Coding change: c.1592G>C on transcript NM_006922.4 (MANE Select); coding-DNA position 1592, G replaced by C.
Protein change: p.Ser531Thr; replaces serine 531 with threonine.
Molecular consequence: missense variant.
Genome position (GRCh38, 1-based): chr2:165,146,818, C>G on the plus strand (G>C on the coding strand, the complement: SCN3A is on the minus strand). VCF-style: chr2-165146818-C-G. GRCh37 (hg19) VCF-style: chr2-166003328-C-G.
Other names: c.1592G>C (NM_006922.3); c.1592G>C, p.Ser531Thr (NM_001081676.2, NM_001081677.2); short protein forms S531T.
Identifiers: ClinVar variation 2893722 (VCV002893722.4), dbSNP rs1559229929, ClinGen allele CA349236412.
Genomic context (GRCh38, chr2:165,146,818, plus strand): 5'-TTTTTGTCACTGGTCAGTCTGTTTCCATCCATGGAGAAAAGGAAGCTGCTTCTTTTGACG[C>G]TGTCTTCAGATTCGGATTTGGGAAAGCTGTCTCTCTCTCCTTTGTTGTTTCCTTCAAGGT-3'
Protein context (NP_008853.3, residues 521-541): DSFPKSESED[Ser531Thr]VKRSSFLFSM

ClinVar aggregate classification (germline): Uncertain significance. Review status: criteria provided, multiple submitters, no conflicts (2 of 4 stars). 2 submissions from 2 submitters: Uncertain significance (2). Last evaluated 2025-11-12.

Conditions:
Inborn genetic diseases. Identifiers: MedGen C0950123, MeSH D030342.

gnomAD v4.1: 5 of 1,614,094 alleles (0.00031%); highest among the groups gnomAD compares: Non-Finnish European, 0.00034%; no homozygotes.

Submissions (2):

Ambry Genetics
Classification: Uncertain significance for Inborn genetic diseases. Last evaluated: 2025-11-12. Review status: criteria provided, single submitter. Criteria: Ambry Variant Classification Scheme 2023. Collection method: clinical testing. Allele origin: germline.

Labcorp Genetics (formerly Invitae), Labcorp
Classification: Uncertain significance. Last evaluated: 2023-09-15. Review status: criteria provided, single submitter. Criteria: Invitae Variant Classification Sherloc (09022015). Collection method: clinical testing. Allele origin: germline.
Comment: This variant has not been reported in the literature in individuals affected with SCN3A-related conditions. Advanced modeling of protein sequence and biophysical properties (such as structural, functional, and spatial information, amino acid conservation, physicochemical variation, residue mobility, and thermodynamic stability) performed at Invitae indicates that this missense variant is not expected to disrupt SCN3A protein function. In summary, the available evidence is currently insufficient to determine the role of this variant in disease. Therefore, it has been classified as a Variant of Uncertain Significance. This variant is not present in population databases (gnomAD no frequency). This sequence change replaces serine, which is neutral and polar, with threonine, which is neutral and polar, at codon 531 of the SCN3A protein (p.Ser531Thr).